The following is an entry in ClinVar:

ClinVar aggregate classification (germline): Uncertain significance. Review status: criteria provided, multiple submitters, no conflicts (2 of 4 stars). 2 submissions from 2 submitters: Uncertain significance (2). Last evaluated 2019-06-05.

Conditions:
Inborn genetic diseases. Identifiers: MedGen C0950123, MeSH D030342.
Combined oxidative phosphorylation defect type 27. Also called: Combined oxidative phosphorylation deficiency 27. Identifiers: Orphanet 477774, MedGen C5567608, MONDO:0014728, OMIM 616672.

Allele frequency attached by ClinVar (database versions not stated): gnomAD exomes 0.00001; TOPMed 0.00002; ExAC 0.00003.
gnomAD v4.1: 5 of 1,611,714 alleles (0.00031%); highest among the groups gnomAD compares: Admixed American, 0.005%; no homozygotes.

Submissions (2):

Labcorp Genetics (formerly Invitae), Labcorp
Classification: Uncertain significance for Combined oxidative phosphorylation defect type 27. Last evaluated: 2019-06-05. Review status: criteria provided, single submitter. Criteria: Invitae Variant Classification Sherloc (09022015). Collection method: clinical testing. Allele origin: germline.
Comment: This variant has not been reported in the literature in individuals with CARS2-related conditions. ClinVar contains an entry for this variant (Variation ID: 521237). This variant is present in population databases (rs748825203, ExAC 0.03%). This sequence change replaces alanine with threonine at codon 379 of the CARS2 protein (p.Ala379Thr). The alanine residue is highly conserved and there is a small physicochemical difference between alanine and threonine. Algorithms developed to predict the effect of missense changes on protein structure and function are either unavailable or do not agree on the potential impact of this missense change (SIFT: "Deleterious"; PolyPhen-2: "Benign"; Align-GVGD: "Class C0"). In summary, the available evidence is currently insufficient to determine the role of this variant in disease. Therefore, it has been classified as a Variant of Uncertain Significance.

Ambry Genetics
Classification: Uncertain significance for Inborn genetic diseases. Last evaluated: 2016-09-08. Review status: criteria provided, single submitter. Criteria: Ambry exome assertion method (8-5-2015). Collection method: clinical testing. Allele origin: germline. Affected: yes. Observed: 1 variant allele.

NM_024537.4(CARS2):c.1135G>A (p.Ala379Thr)

Gene: CARS2 (cysteinyl-tRNA synthetase 2, mitochondrial; minus strand). Cytogenetic location: 13q34.
Variant type: single nucleotide variant.
Coding change: c.1135G>A on transcript NM_024537.4 (MANE Select); coding-DNA position 1135, G replaced by A.
Protein change: p.Ala379Thr; replaces alanine 379 with threonine.
Molecular consequence: missense variant. On other transcripts: non-coding transcript variant (2).
Genome position (GRCh38, 1-based): chr13:110,647,159, C>T on the plus strand (G>A on the coding strand, the complement: CARS2 is on the minus strand). VCF-style: chr13-110647159-C-T. GRCh37 (hg19) VCF-style: chr13-111299506-C-T.
Other names: c.349G>A, p.Ala117Thr (NM_001352252.2); short protein forms A379T, A117T.
Identifiers: ClinVar variation 521237 (VCV000521237.11), dbSNP rs748825203, ClinGen allele CA7051898.
Genomic context (GRCh38, chr13:110,647,159, plus strand): 5'-ACCTCTCCCACAGCATCGCTTCCCTGACGGAGCCGCAGGCCAGCTGCCCCTTCATGTAGG[C>T]ACGTGCGTCCTCCAGGAAAGAGCCCAGCCCCAGGAGCAGCTGCTGAGCTTGGAGCATGGC-3'
Protein context (NP_078813.1, residues 369-389): GLGSFLEDAR[Ala379Thr]YMKGQLACGS